The following is an entry in ClinVar:

NM_001172509.2(SATB2):c.757A>G (p.Met253Val)

Gene: SATB2 (SATB homeobox 2; minus strand). Cytogenetic location: 2q33.1.
Variant type: single nucleotide variant.
Coding change: c.757A>G on transcript NM_001172509.2 (MANE Select); coding-DNA position 757, A replaced by G.
Protein change: p.Met253Val; replaces methionine 253 with valine.
Molecular consequence: missense variant.
Genome position (GRCh38, 1-based): chr2:199,349,117, T>C on the plus strand (A>G on the coding strand, the complement: SATB2 is on the minus strand). VCF-style: chr2-199349117-T-C. GRCh37 (hg19) VCF-style: chr2-200213840-T-C.
Other names: c.757A>G, p.Met253Val (NM_001172517.1, NM_015265.4); short protein forms M253V.
Identifiers: ClinVar variation 3715848 (VCV003715848.2).

ClinVar aggregate classification (germline): Uncertain significance (1 of 4 stars; one submission).

Conditions:
Chromosome 2q32-q33 deletion syndrome (GLASS). Also called: Glass syndrome; 2q33.1 deletion syndrome. Identifiers: Orphanet 251019, MedGen C2676739, MONDO:0012864, OMIM 612313.

gnomAD v4.1: 12 of 1,614,074 alleles (0.00074%); highest among the groups gnomAD compares: East Asian, 0.0022%; no homozygotes.

Submission:

Labcorp Genetics (formerly Invitae), Labcorp
Classification: Uncertain significance for Chromosome 2q32-q33 deletion syndrome. Last evaluated: 2025-02-19. Review status: criteria provided, single submitter. Criteria: Invitae Variant Classification Sherloc (09022015). Collection method: clinical testing. Allele origin: germline.
Comment: This sequence change replaces methionine, which is neutral and non-polar, with valine, which is neutral and non-polar, at codon 253 of the SATB2 protein (p.Met253Val). This variant is present in population databases (rs775411126, gnomAD 0.004%). This variant has not been reported in the literature in individuals affected with SATB2-related conditions. Invitae Evidence Modeling of protein sequence and biophysical properties (such as structural, functional, and spatial information, amino acid conservation, physicochemical variation, residue mobility, and thermodynamic stability) indicates that this missense variant is not expected to disrupt SATB2 protein function with a negative predictive value of 80%. In summary, the available evidence is currently insufficient to determine the role of this variant in disease. Therefore, it has been classified as a Variant of Uncertain Significance.